The following is an entry in ClinVar:

ClinVar aggregate classification (germline): Uncertain significance. Review status: criteria provided, multiple submitters, no conflicts (2 of 4 stars). 2 submissions from 2 submitters: Uncertain significance (2). Last evaluated 2024-07-19.

Conditions:
Long QT syndrome (LQTS). Identifiers: MedGen C0023976, MeSH D008133, MONDO:0002442. Disease mechanism: loss of function. Inheritance: Various modes of inheritance.
Cardiovascular phenotype. Identifiers: MedGen CN230736.

gnomAD v4.1: 4 of 1,597,876 alleles (0.00025%); highest among the groups gnomAD compares: East Asian, 0.0022%; no homozygotes.

Submissions (2):

Labcorp Genetics (formerly Invitae), Labcorp
Classification: Uncertain significance for Long QT syndrome. Last evaluated: 2024-07-19. Review status: criteria provided, single submitter. Criteria: Invitae Variant Classification Sherloc (09022015). Collection method: clinical testing. Allele origin: germline.
Comment: This sequence change replaces proline, which is neutral and non-polar, with leucine, which is neutral and non-polar, at codon 99 of the KCNQ1 protein (p.Pro99Leu). This variant is not present in population databases (gnomAD no frequency). This variant has not been reported in the literature in individuals affected with KCNQ1-related conditions. Advanced modeling of protein sequence and biophysical properties (such as structural, functional, and spatial information, amino acid conservation, physicochemical variation, residue mobility, and thermodynamic stability) performed at Invitae indicates that this missense variant is expected to disrupt KCNQ1 protein function with a positive predictive value of 95%. In summary, the available evidence is currently insufficient to determine the role of this variant in disease. Therefore, it has been classified as a Variant of Uncertain Significance.

Ambry Genetics
Classification: Uncertain significance for Cardiovascular phenotype. Last evaluated: 2024-03-05. Review status: criteria provided, single submitter. Criteria: Ambry Variant Classification Scheme 2023. Collection method: clinical testing. Allele origin: germline.
Comment: The p.P99L variant (also known as c.296C>T), located in coding exon 1 of the KCNQ1 gene, results from a C to T substitution at nucleotide position 296. The proline at codon 99 is replaced by leucine, an amino acid with similar properties. This alteration has been reported in a disease cohort (Li X et al. Ann Hum Genet, 2020 Mar;84:161-168). This amino acid position is well conserved in available vertebrate species. In addition, this alteration is predicted to be deleterious by in silico analysis. Based on the available evidence, the clinical significance of this alteration remains unclear.

Literature cited by the submitters: PubMed 31696929 (cited by Ambry Genetics).

NM_000218.3(KCNQ1):c.296C>T (p.Pro99Leu)

Gene: KCNQ1 (potassium voltage-gated channel subfamily Q member 1; plus strand). Cytogenetic location: 11p15.5.
Variant type: single nucleotide variant.
Coding change: c.296C>T on transcript NM_000218.3 (MANE Select); coding-DNA position 296, C replaced by T.
Protein change: p.Pro99Leu; replaces proline 99 with leucine.
Molecular consequence: missense variant. On other transcripts: 5 prime UTR variant (1).
Genome position (GRCh38, 1-based): chr11:2,445,394, C>T. VCF-style: chr11-2445394-C-T. GRCh37 (hg19) VCF-style: chr11-2466624-C-T.
Other names: c.296C>T, p.Pro99Leu (NM_001406836.1, NM_001406838.1); c.-67C>T (NM_001406837.1); short protein forms P99L.
Identifiers: ClinVar variation 2850816 (VCV002850816.4), dbSNP rs370435862, ClinGen allele CA379117313.